The following is an entry in ClinVar:

NM_015100.4(POGZ):c.2020del (p.Arg674fs)

Gene: POGZ (pogo transposable element derived with ZNF domain; minus strand). Cytogenetic location: 1q21.3.
Variant type: Deletion.
Coding change: c.2020del on transcript NM_015100.4 (MANE Select); coding-DNA position 2020, one base deleted (C; older notation c.2020delC).
Protein change: p.Arg674fs; shifts the reading frame from arginine 674.
Molecular consequence: frameshift variant.
Genome position (GRCh38, 1-based): chr1:151,408,735, G deleted on the plus strand (C on the coding strand, the reverse complement: POGZ is on the minus strand); the first of 2 consecutive G bases (chr1:151,408,735-151,408,736); deleting either gives the same sequence. VCF-style (leftmost placement, unchanged base first): chr1-151408734-CG-C. GRCh37 (hg19) VCF-style: chr1-151381210-CG-C.
Other names: c.1993del, p.Arg665fs (NM_001194937.2); c.1834del, p.Arg612fs (NM_001194938.2); c.2041del, p.Arg681fs (NM_001410860.1); c.1735del, p.Arg579fs (NM_145796.4); c.1861del, p.Arg621fs (NM_207171.2); short protein forms R674fs, R665fs, R681fs, R579fs, R612fs, R621fs.
Identifiers: ClinVar variation 3216279 (VCV003216279.1), dbSNP rs1557873824, ClinGen allele CA526288912.

ClinVar aggregate classification (germline): Pathogenic (1 of 4 stars; one submission).

Conditions:
Inborn genetic diseases. Identifiers: MedGen C0950123, MeSH D030342.

Submission:

Ambry Genetics
Classification: Pathogenic for Inborn genetic diseases. Last evaluated: 2024-02-02. Review status: criteria provided, single submitter. Criteria: Ambry Variant Classification Scheme 2023. Collection method: clinical testing. Allele origin: germline.
Comment: The c.2020delC (p.R674Vfs*9) alteration, located in exon 13 (coding exon 12) of the POGZ gene, consists of a deletion of one nucleotide at position 2020, causing a translational frameshift with a predicted alternate stop codon after 9 amino acids. This alteration is expected to result in loss of function by premature protein truncation or nonsense-mediated mRNA decay. Based on data from gnomAD, this variant has an overall frequency of <0.001% (1/251400) total alleles studied. The highest observed frequency was 0.003% (1/34562) of Latino alleles. This variant was reported as heterozygous in multiple individuals with features consistent with White-Sutton syndrome, including a de novo occurrence in one individual (Stessman, 2016; DECIPHER v.9.32). Based on the available evidence, this alteration is classified as pathogenic.

Literature cited by the submitters: PubMed 26942287.